The following is an entry in ClinVar:

NM_006019.4(TCIRG1):c.713+6T>G

Gene: TCIRG1 (T cell immune regulator 1, ATPase H+ transporting V0 subunit a3; plus strand). Cytogenetic location: 11q13.2.
Variant type: single nucleotide variant.
Coding change: c.713+6T>G on transcript NM_006019.4 (MANE Select); 6 bases into the intron after coding-DNA position 713, T replaced by G.
Molecular consequence: intron variant.
Genome position (GRCh38, 1-based): chr11:68,043,659, T>G. VCF-style: chr11-68043659-T-G. GRCh37 (hg19) VCF-style: chr11-67811126-T-G.
Other names: c.-198+6T>G (NM_001351059.2); c.65+6T>G (NM_006053.4).
Identifiers: ClinVar variation 2415637 (VCV002415637.6), dbSNP rs760737372, ClinGen allele CA6146781.

ClinVar aggregate classification (germline): Uncertain significance (1 of 4 stars; one submission).

Allele frequency attached by ClinVar (database versions not stated): gnomAD 0.00001; TOPMed 0.00001; gnomAD exomes 0.00002.
gnomAD v4.1: 23 of 1,604,830 alleles (0.0014%); highest among the groups gnomAD compares: Non-Finnish European, 0.0019%; no homozygotes.

Submission:

Labcorp Genetics (formerly Invitae), Labcorp
Classification: Uncertain significance. Last evaluated: 2025-05-26. Review status: criteria provided, single submitter. Criteria: Invitae Variant Classification Sherloc (09022015). Collection method: clinical testing. Allele origin: germline.
Comment: This sequence change falls in intron 7 of the TCIRG1 gene. It does not directly change the encoded amino acid sequence of the TCIRG1 protein. It affects a nucleotide within the consensus splice site. This variant is present in population databases (rs760737372, gnomAD 0.001%). This variant has not been reported in the literature in individuals affected with TCIRG1-related conditions. ClinVar contains an entry for this variant (Variation ID: 2415637). Variants that disrupt the consensus splice site are a relatively common cause of aberrant splicing (PMID: 17576681, 9536098). Algorithms developed to predict the effect of sequence changes on RNA splicing suggest that this variant is not likely to affect RNA splicing. In summary, the available evidence is currently insufficient to determine the role of this variant in disease. Therefore, it has been classified as a Variant of Uncertain Significance.

Literature cited by the submitters: PubMed 17576681; PubMed 9536098.